The following is an entry in ClinVar:

NM_032119.4(ADGRV1):c.47del (p.Val16fs)

Gene: ADGRV1 (adhesion G protein-coupled receptor V1; plus strand). Cytogenetic location: 5q14.3.
Variant type: Deletion.
Coding change: c.47del on transcript NM_032119.4 (MANE Select); coding-DNA position 47, one base deleted (T; older notation c.47delT).
Protein change: p.Val16fs; shifts the reading frame from valine 16.
Molecular consequence: frameshift variant. On other transcripts: non-coding transcript variant (1).
Genome position (GRCh38, 1-based): chr5:90,614,859, T deleted. VCF-style (leftmost placement, unchanged base first): chr5-90614858-GT-G. GRCh37 (hg19) VCF-style: chr5-89910675-GT-G.
Other names: short protein forms V16fs.
Identifiers: ClinVar variation 2751928 (VCV002751928.3), dbSNP rs2531676328, ClinGen allele CA2697546274.

ClinVar aggregate classification (germline): Pathogenic (1 of 4 stars; one submission).

Submission:

Labcorp Genetics (formerly Invitae), Labcorp
Classification: Pathogenic. Last evaluated: 2023-08-11. Review status: criteria provided, single submitter. Criteria: Invitae Variant Classification Sherloc (09022015). Collection method: clinical testing. Allele origin: germline.
Comment: This variant is not present in population databases (gnomAD no frequency). This sequence change creates a premature translational stop signal (p.Val16Glufs*18) in the ADGRV1 gene. It is expected to result in an absent or disrupted protein product. Loss-of-function variants in ADGRV1 are known to be pathogenic (PMID: 19357117, 22135276, 22147658, 26226137, 30718709, 31047384, 32467589). This variant has not been reported in the literature in individuals affected with ADGRV1-related conditions. For these reasons, this variant has been classified as Pathogenic.

Literature cited by the submitters: PubMed 19357117; PubMed 22135276; PubMed 22147658; PubMed 26226137; PubMed 30718709; PubMed 31047384; PubMed 32467589.